The following is an entry in ClinVar:

ClinVar aggregate classification (germline): Pathogenic (1 of 4 stars; one submission).

Conditions:
Early-infantile DEE. Also called: Early infantile epileptic encephalopathy; Early infantile epileptic encephalopathy with suppression bursts; Ohtahara syndrome. Identifiers: Orphanet 1934, MedGen C0393706, MONDO:0800491.

Submission:

Labcorp Genetics (formerly Invitae), Labcorp
Classification: Pathogenic for Early-infantile DEE. Last evaluated: 2021-05-21. Review status: criteria provided, single submitter. Criteria: Invitae Variant Classification Sherloc (09022015). Collection method: clinical testing. Allele origin: germline.
Comment: This variant is not present in population databases (ExAC no frequency). This sequence change replaces arginine with proline at codon 393 of the SCN1A protein (p.Arg393Pro). The arginine residue is highly conserved and there is a moderate physicochemical difference between arginine and proline. ClinVar contains an entry for this variant (Variation ID: 530476). Algorithms developed to predict the effect of missense changes on protein structure and function (SIFT, PolyPhen-2, Align-GVGD) all suggest that this variant is likely to be disruptive, but these predictions have not been confirmed by published functional studies and their clinical significance is uncertain. This variant disrupts the p.Arg393 amino acid residue in SCN1A. Other variant(s) that disrupt this residue have been determined to be pathogenic (PMID: 23934111, 17054684, 22848613, 18930999, 12754708, 22780858). This suggests that this residue is clinically significant, and that variants that disrupt this residue are likely to be disease-causing. For these reasons, this variant has been classified as Pathogenic.

Literature cited by the submitters: PubMed 23934111; PubMed 17054684; PubMed 22848613; PubMed 18930999; PubMed 12754708; PubMed 22780858.

NM_001165963.4(SCN1A):c.1178G>C (p.Arg393Pro)

Gene: SCN1A (sodium voltage-gated channel alpha subunit 1; minus strand). Cytogenetic location: 2q24.3.
Variant type: single nucleotide variant.
Coding change: c.1178G>C on transcript NM_001165963.4 (MANE Select); coding-DNA position 1178, G replaced by C.
Protein change: p.Arg393Pro; replaces arginine 393 with proline.
Molecular consequence: missense variant. On other transcripts: 5 prime UTR variant (1), non-coding transcript variant (1).
Genome position (GRCh38, 1-based): chr2:166,046,969, C>G on the plus strand (G>C on the coding strand, the complement: SCN1A is on the minus strand). VCF-style: chr2-166046969-C-G. GRCh37 (hg19) VCF-style: chr2-166903479-C-G.
Other names: c.1178G>C, p.Arg393Pro (NM_001165964.3, NM_001202435.3, NM_001353948.2 and 10 more transcripts); c.-1248G>C (NM_001353961.2); short protein forms R393P.
Identifiers: ClinVar variation 530476 (VCV000530476.11), dbSNP rs121917927, ClinGen allele CA349071038.